The following is an entry in ClinVar:

NM_001042681.2(RERE):c.2720T>C (p.Leu907Pro)

Gene: RERE (arginine-glutamic acid dipeptide repeats; minus strand). Cytogenetic location: 1p36.23.
Variant type: single nucleotide variant.
Coding change: c.2720T>C on transcript NM_001042681.2 (MANE Select); coding-DNA position 2720, T replaced by C.
Protein change: p.Leu907Pro; replaces leucine 907 with proline.
Molecular consequence: missense variant.
Genome position (GRCh38, 1-based): chr1:8,360,787, A>G on the plus strand (T>C on the coding strand, the complement: RERE is on the minus strand). VCF-style: chr1-8360787-A-G. GRCh37 (hg19) VCF-style: chr1-8420847-A-G.
Other names: c.1058T>C, p.Leu353Pro (NM_001042682.2); c.2720T>C, p.Leu907Pro (NM_012102.4); short protein forms L353P, L907P.
Identifiers: ClinVar variation 1031739 (VCV001031739.5), dbSNP rs769674978, ClinGen allele CA571324.

ClinVar aggregate classification (germline): Conflicting classifications of pathogenicity. Review status: criteria provided, conflicting classifications (1 of 4 stars). 3 submissions from 3 submitters: Uncertain significance (2); Likely benign (1). Last evaluated 2024-10-06.

Conditions:
Inborn genetic diseases. Identifiers: MedGen C0950123, MeSH D030342.
Neurodevelopmental disorder with or without anomalies of the brain, eye, or heart (NEDBEH). Identifiers: Orphanet 494344, MedGen C5567477, MONDO:0014857, OMIM 616975.

Allele frequency attached by ClinVar (database versions not stated): gnomAD 0.00001; TOPMed 0.00001; gnomAD exomes 0.00002 and 0.00004; ExAC 0.00005.
gnomAD v4.1: 63 of 1,590,172 alleles (0.004%); highest among the groups gnomAD compares: Middle Eastern, 0.034%; no homozygotes.

Submissions (3):

Ambry Genetics
Classification: Likely benign for Inborn genetic diseases. Last evaluated: 2024-10-06. Review status: criteria provided, single submitter. Criteria: Ambry Variant Classification Scheme 2023. Collection method: clinical testing. Allele origin: germline.

Revvity Omics, Revvity
Classification: Uncertain significance for Neurodevelopmental disorder with or without anomalies of the brain, eye, or heart. Last evaluated: 2020-04-01. Review status: criteria provided, single submitter. Criteria: ACMG Guidelines, 2015. Collection method: clinical testing. Allele origin: germline.

Baylor Genetics
Classification: Uncertain significance for Neurodevelopmental disorder with or without anomalies of the brain, eye, or heart. Last evaluated: 2018-02-01. Review status: criteria provided, single submitter. Criteria: ACMG Guidelines, 2015. Collection method: clinical testing. Allele origin: paternal. Affected: yes.
Comment: This variant was determined to be of uncertain significance according to ACMG Guidelines, 2015 [PMID:25741868].